The following is an entry in ClinVar:

NM_173495.3(PTCHD1):c.708T>C (p.Thr236=)

Gene: PTCHD1 (patched domain containing 1; plus strand). Cytogenetic location: Xp22.11.
Variant type: single nucleotide variant.
Coding change: c.708T>C on transcript NM_173495.3 (MANE Select); coding-DNA position 708, T replaced by C.
Protein change: p.Thr236=; no amino-acid change (threonine 236 retained).
Molecular consequence: synonymous variant.
Genome position (GRCh38, 1-based): chrX:23,379,947, T>C. VCF-style: chrX-23379947-T-C. GRCh37 (hg19) VCF-style: chrX-23398064-T-C.
Identifiers: ClinVar variation 3026210 (VCV003026210.22), dbSNP rs1183406861, ClinGen allele CA515619728.

ClinVar aggregate classification (germline): Likely benign (1 of 4 stars; one submission).

Allele frequency attached by ClinVar (database versions not stated): TOPMed 0.00001.
gnomAD v4.1: 12 of 1,211,974 alleles (0.00099%); highest among the groups gnomAD compares: Non-Finnish European, 0.001%; no homozygotes.

Submission:

CeGaT Center for Human Genetics Tuebingen
Classification: Likely benign. Last evaluated: 2024-01-01. Review status: criteria provided, single submitter. Criteria: CeGaT Center For Human Genetics Tuebingen Variant Classification Criteria Version 2. Collection method: clinical testing. Allele origin: germline. Affected: yes. Observed: 1 variant allele.
Comment: PTCHD1: BP4, BP7